The following is an entry in ClinVar:

ClinVar aggregate classification (germline): Uncertain significance. Review status: criteria provided, multiple submitters, no conflicts (2 of 4 stars). 3 submissions from 3 submitters: Uncertain significance (3). Last evaluated 2023-12-09.

Conditions:
Spastic paraplegia. Identifiers: MedGen C0037772, HP:0001258.

Submissions (3):

Labcorp Genetics (formerly Invitae), Labcorp
Classification: Uncertain significance for Spastic paraplegia. Last evaluated: 2023-12-09. Review status: criteria provided, single submitter. Criteria: Invitae Variant Classification Sherloc (09022015). Collection method: clinical testing. Allele origin: germline.
Comment: This sequence change falls in intron 22 of the L1CAM gene. It does not directly change the encoded amino acid sequence of the L1CAM protein. It affects a nucleotide within the consensus splice site. This variant is not present in population databases (gnomAD no frequency). This variant has not been reported in the literature in individuals affected with L1CAM-related conditions. ClinVar contains an entry for this variant (Variation ID: 1704185). Variants that disrupt the consensus splice site are a relatively common cause of aberrant splicing (PMID: 17576681, 9536098). Algorithms developed to predict the effect of sequence changes on RNA splicing suggest that this variant may disrupt the consensus splice site. In summary, the available evidence is currently insufficient to determine the role of this variant in disease. Therefore, it has been classified as a Variant of Uncertain Significance.

GeneDx
Classification: Uncertain significance. Last evaluated: 2022-03-01. Review status: criteria provided, single submitter. Criteria: GeneDx Variant Classification Process June 2021. Collection method: clinical testing. Allele origin: germline. Affected: yes.
Comment: Not observed at significant frequency in large population cohorts (gnomAD); In silico analysis supports that this variant does not alter splicing; Has not been previously published as pathogenic or benign to our knowledge

Blueprint Genetics
Classification: Uncertain significance. Last evaluated: 2021-05-14. Review status: criteria provided, single submitter. Criteria: ACMG Guidelines, 2015. Collection method: clinical testing. Allele origin: germline.

Literature cited by the submitters: PubMed 17576681 (cited by Labcorp Genetics (formerly Invitae), Labcorp); PubMed 9536098 (cited by Labcorp Genetics (formerly Invitae), Labcorp).

NM_001278116.2(L1CAM):c.3046+5G>C

Gene: L1CAM (L1 cell adhesion molecule; minus strand). Cytogenetic location: Xq28.
Variant type: single nucleotide variant.
Coding change: c.3046+5G>C on transcript NM_001278116.2 (MANE Select); 5 bases into the intron after coding-DNA position 3046, G replaced by C.
Molecular consequence: intron variant.
Genome position (GRCh38, 1-based): chrX:153,864,816, C>G on the plus strand (G>C on the coding strand, the complement: L1CAM is on the minus strand). VCF-style: chrX-153864816-C-G. GRCh37 (hg19) VCF-style: chrX-153130271-C-G.
Other names: c.3031+5G>C (NM_001143963.2); c.3046+5G>C (NM_024003.3, NM_000425.5).
Identifiers: ClinVar variation 1704185 (VCV001704185.6), dbSNP rs2520969001, ClinGen allele CA2580101704.